The following is an entry in ClinVar:

NM_000384.3(APOB):c.11351C>A (p.Pro3784Gln)

Gene: APOB (apolipoprotein B; minus strand). Cytogenetic location: 2p24.1.
Variant type: single nucleotide variant.
Coding change: c.11351C>A on transcript NM_000384.3 (MANE Select); coding-DNA position 11351, C replaced by A.
Protein change: p.Pro3784Gln; replaces proline 3784 with glutamine.
Molecular consequence: missense variant.
Genome position (GRCh38, 1-based): chr2:21,005,517, G>T on the plus strand (C>A on the coding strand, the complement: APOB is on the minus strand). VCF-style: chr2-21005517-G-T. GRCh37 (hg19) VCF-style: chr2-21228389-G-T.
Other names: short protein forms P3784Q.
Identifiers: ClinVar variation 2451312 (VCV002451312.2), dbSNP rs2465356995, ClinGen allele CA345979570.
Genomic context (GRCh38, chr2:21,005,517, plus strand): 5'-TCTGGTTGAGAATATTTTGTTAACACATCAACTTCAGGGAATTTTACCTCGGGGAGTGTT[G>T]GTAGGTTGAGGGCAAATGATGAAGTTCTCAGCTTCTTATAGATTTGTATTTCTCTGAAGT-3'
Protein context (NP_000375.3, residues 3774-3794): LRTSSFALNL[Pro3784Gln]TLPEVKFPEV

ClinVar aggregate classification (germline): Uncertain significance (1 of 4 stars; one submission).

Conditions:
Cardiovascular phenotype. Identifiers: MedGen CN230736.

Submission:

Ambry Genetics
Classification: Uncertain significance for Cardiovascular phenotype. Last evaluated: 2023-01-18. Review status: criteria provided, single submitter. Criteria: Ambry Variant Classification Scheme 2023. Collection method: clinical testing. Allele origin: germline.
Comment: The p.P3784Q variant (also known as c.11351C>A), located in coding exon 26 of the APOB gene, results from a C to A substitution at nucleotide position 11351. The proline at codon 3784 is replaced by glutamine, an amino acid with similar properties. This amino acid position is conserved. In addition, this alteration is predicted to be tolerated by in silico analysis. Since supporting evidence is limited at this time, the clinical significance of this alteration remains unclear.